The following is an entry in ClinVar:

ClinVar aggregate classification (germline): Uncertain significance (1 of 4 stars; one submission).

Allele frequency attached by ClinVar (database versions not stated): TOPMed below 0.00001.

Submission:

Ambry Genetics
Classification: Uncertain significance. Last evaluated: 2024-04-29. Review status: criteria provided, single submitter. Criteria: Ambry Variant Classification Scheme 2023. Collection method: clinical testing. Allele origin: germline.
Comment: The p.I748L variant (also known as c.2242A>C), located in coding exon 14 of the POLQ gene, results from an A to C substitution at nucleotide position 2242. The isoleucine at codon 748 is replaced by leucine, an amino acid with highly similar properties. This amino acid position is conserved. In addition, this alteration is predicted to be tolerated by in silico analysis. Since supporting evidence is limited at this time, the clinical significance of this alteration remains unclear.

NM_199420.4(POLQ):c.2242A>C (p.Ile748Leu)

Gene: POLQ (DNA polymerase theta; minus strand). Cytogenetic location: 3q13.33.
Variant type: single nucleotide variant.
Coding change: c.2242A>C on transcript NM_199420.4 (MANE Select); coding-DNA position 2242, A replaced by C.
Protein change: p.Ile748Leu; replaces isoleucine 748 with leucine.
Molecular consequence: missense variant.
Genome position (GRCh38, 1-based): chr3:121,496,844, T>G on the plus strand (A>C on the coding strand, the complement: POLQ is on the minus strand). VCF-style: chr3-121496844-T-G. GRCh37 (hg19) VCF-style: chr3-121215691-T-G.
Other names: short protein forms I748L.
Identifiers: ClinVar variation 1788291 (VCV001788291.3), dbSNP rs755049290, ClinGen allele CA354108944.